The following is an entry in ClinVar:

NM_003238.6(TGFB2):c.482T>G (p.Val161Gly)

Gene: TGFB2 (transforming growth factor beta 2; plus strand). Cytogenetic location: 1q41.
Variant type: single nucleotide variant.
Coding change: c.482T>G on transcript NM_003238.6 (MANE Select); coding-DNA position 482, T replaced by G.
Protein change: p.Val161Gly; replaces valine 161 with glycine.
Molecular consequence: missense variant. On other transcripts: non-coding transcript variant (2).
Genome position (GRCh38, 1-based): chr1:218,405,304, T>G. VCF-style: chr1-218405304-T-G. GRCh37 (hg19) VCF-style: chr1-218578646-T-G.
Other names: c.566T>G, p.Val189Gly (NM_001135599.4); short protein forms V161G, V189G.
Identifiers: ClinVar variation 2578287 (VCV002578287.1), dbSNP rs1160416926, ClinGen allele CA344726342.
Genomic context (GRCh38, chr1:218,405,304, plus strand): 5'-CTTCCAATTTGGTGAAAGCAGAGTTCAGAGTCTTTCGTTTGCAGAACCCAAAAGCCAGAG[T>G]GCCTGAACAACGGATTGAGCTATATCAGGTAATGTTCATTTGTTGTTGTTGTTGTTGTTG-3'
Protein context (NP_003229.1, residues 151-171): VFRLQNPKAR[Val161Gly]PEQRIELYQI

ClinVar aggregate classification (germline): Uncertain significance (1 of 4 stars; one submission).

Allele frequency attached by ClinVar (database versions not stated): TOPMed below 0.00001; gnomAD 0.00001.
gnomAD v4.1: 1 of 1,613,980 alleles (0.000062%); highest among the groups gnomAD compares: Non-Finnish European, 0.000085%; no homozygotes.

Submission:

GeneDx
Classification: Uncertain significance. Last evaluated: 2023-03-02. Review status: criteria provided, single submitter. Criteria: GeneDx Variant Classification Process June 2021. Collection method: clinical testing. Allele origin: germline. Affected: yes.
Comment: Has not been previously published as pathogenic or benign to our knowledge; Not observed at significant frequency in large population cohorts (gnomAD); In silico analysis supports that this missense variant does not alter protein structure/function